The following is an entry in ClinVar:

NM_001102564.3(IFT43):c.473C>T (p.Thr158Ile)

Gene: IFT43 (intraflagellar transport 43; plus strand). Cytogenetic location: 14q24.3.
Variant type: single nucleotide variant.
Coding change: c.473C>T on transcript NM_001102564.3 (MANE Select); coding-DNA position 473, C replaced by T.
Protein change: p.Thr158Ile; replaces threonine 158 with isoleucine.
Molecular consequence: missense variant. On other transcripts: non-coding transcript variant (2).
Genome position (GRCh38, 1-based): chr14:76,083,255, C>T. VCF-style: chr14-76083255-C-T. GRCh37 (hg19) VCF-style: chr14-76549598-C-T.
Other names: c.488C>T, p.Thr163Ile (NM_052873.3); short protein forms T158I, T163I.
Identifiers: ClinVar variation 3859640 (VCV003859640.1).

ClinVar aggregate classification (germline): Uncertain significance (1 of 4 stars; one submission).

Submission:

Ambry Genetics
Classification: Uncertain significance. Last evaluated: 2025-02-07. Review status: criteria provided, single submitter. Criteria: Ambry Variant Classification Scheme 2023. Collection method: clinical testing. Allele origin: germline.
Comment: Does not currently meet published gene-disease clinical validity criteria Based on insufficient or conflicting evidence, the clinical significance of this alteration remains unclear.

Literature cited by the submitters: PubMed 28106320.